The following is an entry in ClinVar:

NM_032578.4(MYPN):c.299T>C (p.Leu100Pro)

Gene: MYPN (myopalladin; plus strand). Cytogenetic location: 10q21.3.
Variant type: single nucleotide variant.
Coding change: c.299T>C on transcript NM_032578.4 (MANE Select); coding-DNA position 299, T replaced by C.
Protein change: p.Leu100Pro; replaces leucine 100 with proline.
Molecular consequence: missense variant. On other transcripts: 5 prime UTR variant (1), non-coding transcript variant (1).
Genome position (GRCh38, 1-based): chr10:68,121,737, T>C. VCF-style: chr10-68121737-T-C. GRCh37 (hg19) VCF-style: chr10-69881494-T-C.
Other names: c.299T>C (NM_032578.2); c.299T>C, p.Leu100Pro (NM_001256267.2); c.-824T>C (NM_001256268.2); short protein forms L100P.
Identifiers: ClinVar variation 3367525 (VCV003367525.2).
Genomic context (GRCh38, chr10:68,121,737, plus strand): 5'-GACTGGCCATCAATTACGACCCTTTGGAGAAGGCAGATGAAACTCAAGCTAGAAAACGAC[T>C]TTCTCCTGATCAGATGAAACACTCACCTAATTTAAGTTTTGAGCCTAACTTCTGCCAGGA-3'
Protein context (NP_115967.2, residues 90-110): KADETQARKR[Leu100Pro]SPDQMKHSPN

ClinVar aggregate classification (germline): Uncertain significance. Review status: criteria provided, multiple submitters, no conflicts (2 of 4 stars). 2 submissions from 2 submitters: Uncertain significance (2). Last evaluated 2026-02-24.

Conditions:
Cardiovascular phenotype. Identifiers: MedGen CN230736.

Submissions (2):

Ambry Genetics
Classification: Uncertain significance for Cardiovascular phenotype. Last evaluated: 2026-02-24. Review status: criteria provided, single submitter. Criteria: Ambry Variant Classification Scheme 2023. Collection method: clinical testing. Allele origin: germline.
Comment: The p.L100P variant (also known as c.299T>C), located in coding exon 1 of the MYPN gene, results from a T to C substitution at nucleotide position 299. The leucine at codon 100 is replaced by proline, an amino acid with similar properties. This amino acid position is conserved. In addition, this alteration is predicted to be tolerated by in silico analysis. Based on the available evidence, the clinical significance of this variant remains unclear.

GeneDx
Classification: Uncertain significance. Last evaluated: 2024-01-07. Review status: criteria provided, single submitter. Criteria: GeneDx Variant Classification Process June 2021. Collection method: clinical testing. Allele origin: germline. Affected: yes.
Comment: Has not been previously published as pathogenic or benign to our knowledge; Not observed at significant frequency in large population cohorts (gnomAD); In silico analysis supports that this missense variant does not alter protein structure/function